The following is an entry in ClinVar:

NM_000542.5(SFTPB):c.361C>G (p.Pro121Ala)

Gene: SFTPB (surfactant protein B; minus strand). Cytogenetic location: 2p11.2.
Variant type: single nucleotide variant.
Coding change: c.361C>G on transcript NM_000542.5 (MANE Select); coding-DNA position 361, C replaced by G.
Protein change: p.Pro121Ala; replaces proline 121 with alanine.
Molecular consequence: missense variant.
Genome position (GRCh38, 1-based): chr2:85,666,649, G>C on the plus strand (C>G on the coding strand, the complement: SFTPB is on the minus strand). VCF-style: chr2-85666649-G-C. GRCh37 (hg19) VCF-style: chr2-85893772-G-C.
Other names: c.361C>G, p.Pro121Ala (NM_198843.4, NM_001367281.2); short protein forms P121A.
Identifiers: ClinVar variation 896677 (VCV000896677.10), dbSNP rs141905538, ClinGen allele CA1744087.

ClinVar aggregate classification (germline): Conflicting classifications of pathogenicity. Review status: criteria provided, conflicting classifications (1 of 4 stars). 5 submissions from 5 submitters: Pathogenic (2); Uncertain significance (3). Last evaluated 2024-10-25.

Conditions:
Hereditary pulmonary alveolar proteinosis. Also called: Pulmonary surfactant metabolism dysfunction. Identifiers: Orphanet 264675, MedGen C3711368, MONDO:0012580.
SFTPB-related disorder. Also called: SFTPB-related condition.
Surfactant metabolism dysfunction, pulmonary, 1. Also called: INTERSTITIAL LUNG DISEASE DUE TO SURFACTANT PROTEIN B DEFICIENCY; INTERSTITIAL LUNG DISEASE, NONSPECIFIC, DUE TO SURFACTANT PROTEIN B DEFICIENCY; PULMONARY ALVEOLAR PROTEINOSIS, CONGENITAL, 1; Pulmonary surfactant protein B, deficiency of; Neonatal acute respiratory distress due to SP-B deficiency. Identifiers: Orphanet 217563, MedGen C1968602, MONDO:0009929, OMIM 265120.

Allele frequency attached by ClinVar (database versions not stated): ExAC 0.00017; gnomAD 0.00025.
gnomAD v4.1: 564 of 1,613,688 alleles (0.035%); highest among the groups gnomAD compares: Non-Finnish European, 0.046%; no homozygotes.

Submissions (5):

Blueprint Genetics
Classification: Pathogenic for SFTPB-related disorders. Last evaluated: 2024-10-25. Review status: criteria provided, single submitter. Criteria: ACMG Guidelines, 2015. Collection method: clinical testing. Allele origin: germline. Affected: yes. Observed: 5 variant alleles.

Institute of Human Genetics, University of Leipzig Medical Center
Classification: Pathogenic for Surfactant metabolism dysfunction, pulmonary, 1. Last evaluated: 2023-11-13. Review status: criteria provided, single submitter. Criteria: ACMG Guidelines, 2015. Collection method: clinical testing. Allele origin: unknown. Inheritance: Autosomal recessive inheritance. Affected: yes.
Comment: Criteria applied: PVS1,PM2_SUP,PM3_SUP

Ambry Genetics
Classification: Uncertain significance for Hereditary pulmonary alveolar proteinosis. Last evaluated: 2023-02-18. Review status: criteria provided, single submitter. Criteria: Ambry Variant Classification Scheme 2023. Collection method: clinical testing. Allele origin: germline.
Comment: The p.P133A variant (also known as c.397C>G), located in coding exon 4 of the SFTPB gene, results from a C to G substitution at nucleotide position 397. The proline at codon 133 is replaced by alanine, an amino acid with highly similar properties. This amino acid position is conserved. In addition, this alteration is predicted to be tolerated by in silico analysis. Since supporting evidence is limited at this time, the clinical significance of this alteration remains unclear.

Illumina Laboratory Services, Illumina
Classification: Uncertain significance for Surfactant metabolism dysfunction, pulmonary, 1. Last evaluated: 2017-04-27. Review status: criteria provided, single submitter. Criteria: ICSL Variant Classification Criteria 13 December 2019. Collection method: clinical testing. Allele origin: germline.

Breakthrough Genomics
Classification: Uncertain significance. Review status: criteria provided, single submitter. Criteria: ACMG Guidelines, 2015. Collection method: not provided. Allele origin: germline. Inheritance: Autosomal recessive inheritance. Affected: yes.